The following is an entry in ClinVar:

NM_001394372.1(BICRA):c.50A>G (p.Gln17Arg)

Gene: BICRA (BRD4 interacting chromatin remodeling complex associated protein; plus strand). Cytogenetic location: 19q13.33.
Variant type: single nucleotide variant.
Coding change: c.50A>G on transcript NM_001394372.1 (MANE Select); coding-DNA position 50, A replaced by G.
Protein change: p.Gln17Arg; replaces glutamine 17 with arginine.
Molecular consequence: missense variant.
Genome position (GRCh38, 1-based): chr19:47,673,728, A>G. VCF-style: chr19-47673728-A-G. GRCh37 (hg19) VCF-style: chr19-48176985-A-G.
Other names: c.50A>G, p.Gln17Arg (NM_015711.3); short protein forms Q17R.
Identifiers: ClinVar variation 3369156 (VCV003369156.1).

ClinVar aggregate classification (germline): Uncertain significance (1 of 4 stars; one submission).

Submission:

GeneDx
Classification: Uncertain significance. Last evaluated: 2024-02-15. Review status: criteria provided, single submitter. Criteria: GeneDx Variant Classification Process June 2021. Collection method: clinical testing. Allele origin: germline. Affected: yes.
Comment: Not observed at significant frequency in large population cohorts (gnomAD); In silico analysis supports that this missense variant does not alter protein structure/function; In silico analysis is inconclusive as to whether the variant alters gene splicing. In the absence of RNA/functional studies, the actual effect of this sequence change is unknown.; Has not been previously published as pathogenic or benign to our knowledge